The following is an entry in ClinVar:

NM_000285.4(PEPD):c.508G>A (p.Glu170Lys)

Gene: PEPD (peptidase D; minus strand). Cytogenetic location: 19q13.11.
Variant type: single nucleotide variant.
Coding change: c.508G>A on transcript NM_000285.4 (MANE Select); coding-DNA position 508, G replaced by A.
Protein change: p.Glu170Lys; replaces glutamic acid 170 with lysine.
Molecular consequence: missense variant.
Genome position (GRCh38, 1-based): chr19:33,478,086, C>T on the plus strand (G>A on the coding strand, the complement: PEPD is on the minus strand). VCF-style: chr19-33478086-C-T. GRCh37 (hg19) VCF-style: chr19-33968992-C-T.
Other names: c.508G>A (NM_000285.3); c.508G>A, p.Glu170Lys (NM_001166056.2); c.316G>A, p.Glu106Lys (NM_001166057.2); short protein forms E170K, E106K.
Identifiers: ClinVar variation 1427037 (VCV001427037.8), dbSNP rs758357853, ClinGen allele CA9364269.

ClinVar aggregate classification (germline): Conflicting classifications of pathogenicity. Review status: criteria provided, conflicting classifications (1 of 4 stars). 3 submissions from 3 submitters: Uncertain significance (1); Likely benign (2). Last evaluated 2025-08-04.

Conditions:
Inborn genetic diseases. Identifiers: MedGen C0950123, MeSH D030342.

Allele frequency attached by ClinVar (database versions not stated): ExAC 0.00006; gnomAD 0.00008 and 0.00009; gnomAD exomes 0.00009; TOPMed 0.00011.
gnomAD v4.1: 136 of 1,608,644 alleles (0.0085%); highest among the groups gnomAD compares: Admixed American, 0.033%; no homozygotes.

Submissions (3):

Labcorp Genetics (formerly Invitae), Labcorp
Classification: Uncertain significance. Last evaluated: 2025-08-04. Review status: criteria provided, single submitter. Criteria: Invitae Variant Classification Sherloc (09022015). Collection method: clinical testing. Allele origin: germline.
Comment: This sequence change replaces glutamic acid, which is acidic and polar, with lysine, which is basic and polar, at codon 170 of the PEPD protein (p.Glu170Lys). This variant is present in population databases (rs758357853, gnomAD 0.04%). This variant has not been reported in the literature in individuals affected with PEPD-related conditions. ClinVar contains an entry for this variant (Variation ID: 1427037). Invitae Evidence Modeling of protein sequence and biophysical properties (such as structural, functional, and spatial information, amino acid conservation, physicochemical variation, residue mobility, and thermodynamic stability) indicates that this missense variant is not expected to disrupt PEPD protein function with a negative predictive value of 95%. In summary, the available evidence is currently insufficient to determine the role of this variant in disease. Therefore, it has been classified as a Variant of Uncertain Significance.

Blueprint Genetics
Classification: Likely benign. Last evaluated: 2024-08-14. Review status: criteria provided, single submitter. Criteria: ACMG Guidelines, 2015. Collection method: clinical testing. Allele origin: germline.

Ambry Genetics
Classification: Likely benign for Inborn genetic diseases. Last evaluated: 2021-08-13. Review status: criteria provided, single submitter. Criteria: Ambry Variant Classification Scheme 2023. Collection method: clinical testing. Allele origin: germline.